The following is an entry in ClinVar:

NM_139343.3(BIN1):c.821A>G (p.His274Arg)

Gene: BIN1 (bridging integrator 1; minus strand). Cytogenetic location: 2q14.3.
Variant type: single nucleotide variant.
Coding change: c.821A>G on transcript NM_139343.3 (MANE Select); coding-DNA position 821, A replaced by G.
Protein change: p.His274Arg; replaces histidine 274 with arginine.
Molecular consequence: missense variant.
Genome position (GRCh38, 1-based): chr2:127,062,151, T>C on the plus strand (A>G on the coding strand, the complement: BIN1 is on the minus strand). VCF-style: chr2-127062151-T-C. GRCh37 (hg19) VCF-style: chr2-127819727-T-C.
Other names: c.728A>G, p.His243Arg (NM_139349.3, NM_139350.3, NM_139351.3 and 6 more transcripts); c.821A>G, p.His274Arg (NM_001320633.2, NM_001320640.2, NM_139344.3 and 1 more transcripts); c.656A>G, p.His219Arg (NM_001320634.1); c.740A>G, p.His247Arg (NM_001320642.1); short protein forms H247R, H274R, H219R, H243R.
Identifiers: ClinVar variation 2185703 (VCV002185703.4), dbSNP rs2467312853, ClinGen allele CA348381095.

ClinVar aggregate classification (germline): Uncertain significance (1 of 4 stars; one submission).

Conditions:
Myopathy, centronuclear, 2 (CNM2). Also called: MYOTUBULAR MYOPATHY, AUTOSOMAL RECESSIVE. Identifiers: Orphanet 169186, MedGen CN031787, MONDO:0009709, OMIM 255200.

Submission:

Labcorp Genetics (formerly Invitae), Labcorp
Classification: Uncertain significance for Myopathy, centronuclear, 2. Last evaluated: 2022-03-08. Review status: criteria provided, single submitter. Criteria: Invitae Variant Classification Sherloc (09022015). Collection method: clinical testing. Allele origin: germline.
Comment: This variant has not been reported in the literature in individuals affected with BIN1-related conditions. This sequence change replaces histidine, which is basic and polar, with arginine, which is basic and polar, at codon 274 of the BIN1 protein (p.His274Arg). This variant is not present in population databases (gnomAD no frequency). Algorithms developed to predict the effect of missense changes on protein structure and function (SIFT, PolyPhen-2, Align-GVGD) all suggest that this variant is likely to be tolerated. In summary, the available evidence is currently insufficient to determine the role of this variant in disease. Therefore, it has been classified as a Variant of Uncertain Significance.